The following is an entry in ClinVar:

NM_006493.4(CLN5):c.68dup (p.Ala24fs)

Genes: CLN5 (CLN5 lysosomal BMP synthase; plus strand), LOC130009913 (ATAC-STARR-seq lymphoblastoid silent region 5414; plus strand). Cytogenetic location: 13q22.3.
Variant type: Duplication.
Coding change: c.68dup on transcript NM_006493.4 (MANE Select); coding-DNA position 68, one base duplicated (G; older notation c.68dupG).
Protein change: p.Ala24fs; shifts the reading frame from alanine 24.
Molecular consequence: frameshift variant.
Genome position (GRCh38, 1-based): chr13:76,992,166, G duplicated. VCF-style (leftmost placement, unchanged base first): chr13-76992165-C-CG. GRCh37 (hg19) VCF-style: chr13-77566300-C-CG.
Other names: c.68dup, p.Ala24fs (NM_001366624.2); short protein forms A24fs.
Identifiers: ClinVar variation 5011992 (VCV005011992.1).
Genomic context (GRCh38, chr13:76,992,165, plus strand): 5'-CAGGAGGTAGACACGGCACAGGGCGCCGAGATGCGGCGGGGCGCGGGCGCGGCTCGGGGA[C>CG]GCGCTTCCTGGTGCTGGGCCCTGGCGCTGCTTTGGCTCGCGGTGGTTCCGGGCTGGTCCC-3'

ClinVar aggregate classification (germline): Pathogenic (1 of 4 stars; one submission).

Conditions:
Neuronal ceroid lipofuscinosis 5 (CLN5). Also called: CEROID LIPOFUSCINOSIS, NEURONAL, 5, VARIABLE AGE AT ONSET; Neuronal ceroid lipofuscinosis Finnish variant; NEURONAL CEROID LIPOFUSCINOSIS, LATE INFANTILE, FINNISH VARIANT; CLN5-Related Neuronal Ceroid-Lipofuscinosis. Identifiers: Orphanet 168491, Orphanet 228360, MedGen C1850442, MONDO:0009745, OMIM 256731.

Submission:

Myriad Genetics, Inc.
Classification: Pathogenic for Neuronal ceroid lipofuscinosis 5. Last evaluated: 2023-09-27. Review status: criteria provided, single submitter. Criteria: Myriad Autosomal Dominant, Autosomal Recessive and X-Linked Classification Criteria (2023). Collection method: clinical testing. Allele origin: unknown.
Comment: NM_006493.2(CLN5):c.215dupG(A73Rfs*38) is expected to be pathogenic in the context of CLN5-related neuronal ceroid lipofuscinosis. This variant is predicted to lead to an abnormal or absent protein product due to the creation of a premature termination codon in CLN5, a gene where loss-of-function variants are known to be pathogenic. Please note: this variant was assessed in the context of healthy population screening.